The following is an entry in ClinVar:

ClinVar aggregate classification (germline): Uncertain significance (1 of 4 stars; one submission).

Conditions:
Charcot-Marie-Tooth disease type 4. Also called: Charcot-Marie-Tooth, Type 4; Charcot-Marie-Tooth disease, type IV. Identifiers: Orphanet 64749, MedGen C4082197, MONDO:0018995.

Allele frequency attached by ClinVar (database versions not stated): gnomAD exomes below 0.00001.
gnomAD v4.1: 4 of 1,613,436 alleles (0.00025%); highest among the groups gnomAD compares: Non-Finnish European, 0.00034%; no homozygotes.

Submission:

Labcorp Genetics (formerly Invitae), Labcorp
Classification: Uncertain significance for Charcot-Marie-Tooth disease type 4. Last evaluated: 2021-08-12. Review status: criteria provided, single submitter. Criteria: Invitae Variant Classification Sherloc (09022015). Collection method: clinical testing. Allele origin: germline.
Comment: In summary, the available evidence is currently insufficient to determine the role of this variant in disease. Therefore, it has been classified as a Variant of Uncertain Significance. Algorithms developed to predict the effect of missense changes on protein structure and function output the following: SIFT: "Tolerated"; PolyPhen-2: "Benign"; Align-GVGD: "Class C0". The valine amino acid residue is found in multiple mammalian species, which suggests that this missense change does not adversely affect protein function. This variant has not been reported in the literature in individuals affected with PRX-related conditions. This variant is not present in population databases (ExAC no frequency). This sequence change replaces alanine with valine at codon 1091 of the PRX protein (p.Ala1091Val). The alanine residue is moderately conserved and there is a small physicochemical difference between alanine and valine.

NM_181882.3(PRX):c.3272C>T (p.Ala1091Val)

Gene: PRX (periaxin; minus strand). Cytogenetic location: 19q13.2.
Variant type: single nucleotide variant.
Coding change: c.3272C>T on transcript NM_181882.3 (MANE Select); coding-DNA position 3272, C replaced by T.
Protein change: p.Ala1091Val; replaces alanine 1091 with valine.
Molecular consequence: missense variant. On other transcripts: 3 prime UTR variant (1).
Genome position (GRCh38, 1-based): chr19:40,395,080, G>A on the plus strand (C>T on the coding strand, the complement: PRX is on the minus strand). VCF-style: chr19-40395080-G-A. GRCh37 (hg19) VCF-style: chr19-40900987-G-A.
Other names: c.*3477C>T (NM_020956.2); short protein forms A1091V.
Identifiers: ClinVar variation 1371273 (VCV001371273.6), dbSNP rs2145726879, ClinGen allele CA405894596.
Genomic context (GRCh38, chr19:40,395,080, plus strand): 5'-CTCCCTTCCTCCTGGGCGCCCAGCGTGACCAGCTCCACCTCGGGGATCTTAAGCTGCACA[G>A]CGGTGGACTCAGCCTTTTCCCCCGGGCTGGCACGATCACCTTGAACTTCTGCTTCCTTCC-3'
Protein context (NP_870998.2, residues 1081-1101): ASPGEKAEST[Ala1091Val]VQLKIPEVEL